The following is an entry in ClinVar:

NM_000370.3(TTPA):c.1A>T (p.Met1Leu)

Gene: TTPA (alpha tocopherol transfer protein; minus strand). Cytogenetic location: 8q12.3.
Variant type: single nucleotide variant.
Coding change: c.1A>T on transcript NM_000370.3 (MANE Select); coding-DNA position 1, A replaced by T.
Protein change: p.Met1Leu; changes the start codon (methionine 1).
Molecular consequence: missense variant, initiator codon variant.
Genome position (GRCh38, 1-based): chr8:63,086,021, T>A on the plus strand (A>T on the coding strand, the complement: TTPA is on the minus strand). VCF-style: chr8-63086021-T-A. GRCh37 (hg19) VCF-style: chr8-63998580-T-A.
Other names: short protein forms M1L.
Identifiers: ClinVar variation 557555 (VCV000557555.9), dbSNP rs1408863841, ClinGen allele CA371403747.

ClinVar aggregate classification (germline): Pathogenic. Review status: criteria provided, single submitter (1 of 4 stars). 2 submissions from 2 submitters: Pathogenic (1). 1 of the submissions does not count toward it. Last evaluated 2021-11-17.

Conditions:
Familial isolated deficiency of vitamin E (AVED). Also called: ATAXIA, FRIEDREICH-LIKE, WITH SELECTIVE VITAMIN E DEFICIENCY; Ataxia with isolated vitamin E deficiency. Identifiers: Orphanet 96, MedGen C1848533, MONDO:0010188, OMIM 277460.

Submissions (2):

Labcorp Genetics (formerly Invitae), Labcorp
Classification: Pathogenic. Last evaluated: 2021-11-17. Review status: criteria provided, single submitter. Criteria: Invitae Variant Classification Sherloc (09022015). Collection method: clinical testing. Allele origin: germline.
Comment: For these reasons, this variant has been classified as Pathogenic. This variant disrupts a region of the TTPA protein in which other variant(s) (p.Arg59Trp) have been determined to be pathogenic (PMID: 9463307, 16819822, 17049453, 23599266). This suggests that this is a clinically significant region of the protein, and that variants that disrupt it are likely to be disease-causing. ClinVar contains an entry for this variant (Variation ID: 557555). Disruption of the initiator codon has been observed in individuals with ataxia with isolated vitamin E deficiency (PMID: 10360777, 31970222). This variant is not present in population databases (gnomAD no frequency). This sequence change affects the initiator methionine of the TTPA mRNA. The next in-frame methionine is located at codon 209.

Counsyl
Classification: Likely pathogenic for Familial isolated deficiency of vitamin E. Last evaluated: 2018-03-29. Review status: no assertion criteria provided. Collection method: clinical testing. Allele origin: unknown. Not counted in ClinVar's aggregate classification.

Literature cited by the submitters: PubMed 9463307 (cited by Labcorp Genetics (formerly Invitae), Labcorp); PubMed 16819822 (cited by Labcorp Genetics (formerly Invitae), Labcorp); PubMed 17049453 (cited by Labcorp Genetics (formerly Invitae), Labcorp); PubMed 23599266 (cited by Labcorp Genetics (formerly Invitae), Labcorp); PubMed 10360777 (cited by Labcorp Genetics (formerly Invitae), Labcorp); PubMed 31970222 (cited by Labcorp Genetics (formerly Invitae), Labcorp).